The following is an entry in ClinVar:

NM_025114.4(CEP290):c.1850T>C (p.Ile617Thr)

Gene: CEP290 (centrosomal protein 290; minus strand). Cytogenetic location: 12q21.32.
Variant type: single nucleotide variant.
Coding change: c.1850T>C on transcript NM_025114.4 (MANE Select); coding-DNA position 1850, T replaced by C.
Protein change: p.Ile617Thr; replaces isoleucine 617 with threonine.
Molecular consequence: missense variant.
Genome position (GRCh38, 1-based): chr12:88,115,157, A>G on the plus strand (T>C on the coding strand, the complement: CEP290 is on the minus strand). VCF-style: chr12-88115157-A-G. GRCh37 (hg19) VCF-style: chr12-88508934-A-G.
Other names: c.1850T>C (NM_025114.3); short protein forms I617T.
Identifiers: ClinVar variation 1047452 (VCV001047452.8), dbSNP rs776346956, ClinGen allele CA6712444.
Genomic context (GRCh38, chr12:88,115,157, plus strand): 5'-CATTTATTCTGAAATTTGGCTATCACTGTCCTACTCCTTTCTAAATCTCTTTCTTTTTCA[A>G]TTAGTTCTCTTGAAAGAAATTCATTCTGAAAAAAGCAGAGAGAATAAAATTGATTTTTTT-3'
Protein context (NP_079390.3, residues 607-627): SKNEFLSREL[Ile617Thr]EKERDLERSR

ClinVar aggregate classification (germline): Uncertain significance. Review status: criteria provided, single submitter (1 of 4 stars). 3 submissions from 3 submitters: Uncertain significance (1). 2 of the submissions do not count toward it. Last evaluated 2022-02-24.

Conditions:
CEP290-related disorder. Also called: CEP290-related condition; CEP290-related disorders. Identifiers: MedGen CN239314.
Joubert syndrome. Also called: Familial aplasia of the vermis; CEREBELLOPARENCHYMAL DISORDER IV; JOUBERT-BOLTSHAUSER SYNDROME. Identifiers: Orphanet 475, MedGen C5979921, MONDO:0018772.
Meckel-Gruber syndrome. Also called: Dysencephalia splachnocystica; DYSENCEPHALIA SPLANCHNOCYSTICA; GRUBER SYNDROME. Identifiers: Orphanet 564, MedGen C0265215, MONDO:0018921.
Nephronophthisis. Also called: Juvenile Nephronophthisis. Identifiers: Orphanet 655, MedGen C0687120, MONDO:0019005, HP:0000090.
Leber congenital amaurosis (LCA). Also called: Leber's amaurosis. Identifiers: Orphanet 65, MedGen C0339527, MeSH D057130, MONDO:0018998.

Allele frequency attached by ClinVar (database versions not stated): TOPMed below 0.00001; gnomAD 0.00001; gnomAD exomes 0.00001; ExAC 0.00002.
gnomAD v4.1: 18 of 1,495,370 alleles (0.0012%); highest among the groups gnomAD compares: Non-Finnish European, 0.0016%; no homozygotes.

Submissions (3):

Labcorp Genetics (formerly Invitae), Labcorp
Classification: Uncertain significance for Joubert syndrome; Meckel-Gruber syndrome; Nephronophthisis. Last evaluated: 2022-02-24. Review status: criteria provided, single submitter. Criteria: Invitae Variant Classification Sherloc (09022015). Collection method: clinical testing. Allele origin: germline.
Comment: This sequence change replaces isoleucine, which is neutral and non-polar, with threonine, which is neutral and polar, at codon 617 of the CEP290 protein (p.Ile617Thr). This variant is present in population databases (rs776346956, gnomAD 0.002%). This variant has not been reported in the literature in individuals affected with CEP290-related conditions. ClinVar contains an entry for this variant (Variation ID: 1047452). Algorithms developed to predict the effect of missense changes on protein structure and function output the following: SIFT: "Tolerated"; PolyPhen-2: "Benign"; Align-GVGD: "Class C0". The threonine amino acid residue is found in multiple mammalian species, which suggests that this missense change does not adversely affect protein function. In summary, the available evidence is currently insufficient to determine the role of this variant in disease. Therefore, it has been classified as a Variant of Uncertain Significance.

PreventionGenetics, part of Exact Sciences
Classification: Uncertain significance for CEP290-related condition. Last evaluated: 2024-09-12. Review status: no assertion criteria provided. Collection method: clinical testing. Allele origin: germline. Not counted in ClinVar's aggregate classification.
Comment: The CEP290 c.1850T>C variant is predicted to result in the amino acid substitution p.Ile617Thr. To our knowledge, this variant has not been reported in the literature. This variant is reported in 0.0023% of alleles in individuals of European (Non-Finnish) descent in gnomAD. At this time, the clinical significance of this variant is uncertain due to the absence of conclusive functional and genetic evidence.

Natera, Inc.
Classification: Uncertain significance for Leber congenital amaurosis. Last evaluated: 2020-06-04. Review status: no assertion criteria provided. Collection method: clinical testing. Allele origin: germline. Not counted in ClinVar's aggregate classification.